The following is an entry in ClinVar:

ClinVar aggregate classification (germline): Likely pathogenic (1 of 4 stars; one submission).

Conditions:
Deficiency of aromatic-L-amino-acid decarboxylase. Also called: Aromatic amino acid decarboxylase deficiency; AADC DEFICIENCY; DDC DEFICIENCY; DOPA DECARBOXYLASE DEFICIENCY; Aromatic L-Amino Acid Decarboxylase Deficiency. Identifiers: Orphanet 35708, MedGen C1291564, MONDO:0012084, OMIM 608643.

Submission:

Victorian Clinical Genetics Services, Murdoch Childrens Research Institute
Classification: Likely pathogenic for Deficiency of aromatic-L-amino-acid decarboxylase. Last evaluated: 2016-10-17. Review status: criteria provided, single submitter. Criteria: ACMG Guidelines, 2015. Collection method: clinical testing. Allele origin: unknown. Inheritance: Autosomal recessive inheritance. Affected: yes. Observed: 1 variant allele.
Comment: Two heterozygous missense variants were identified in the DDC gene, NM_001082971.1(DDC):c.1352G>T and NM_001082971.1(DDC):c.1073G>A (chr7:50531020C>A and chr7:50537838C>T, respectively). The NM_001082971.1(DDC):c.1352G>T in exon 14 of the DDC gene is predicted to create a change of a cysteine to a phenylalanine at amino acid position 451, NP_001076440.1(DDC):p.(Cys451Phe), which is considered significant. The cysteine at this position has very highly conservation and therefore, Grantham assessment (A-GVGD) is likely pathogenic. In silico software predicts this variant to be disease causing. It is not situated in a known functional domain. This variant has not been previously observed in our cohort and is not present in population databases. It has not been previously reported in other clinical cases however, functional studies on missense variants downstream of this variant showed reduced enzyme activity (Verbeek MM. et al.,2007). Based on current information, and in association with the NM_001082971.1(DDC):c.1073G>A variant, this variant has been classified as LIKELY PATHOGENIC.

NM_001082971.2(DDC):c.1352G>T (p.Cys451Phe)

Gene: DDC (dopa decarboxylase; minus strand). Cytogenetic location: 7p12.2.
Variant type: single nucleotide variant.
Coding change: c.1352G>T on transcript NM_001082971.2 (MANE Select); coding-DNA position 1352, G replaced by T.
Protein change: p.Cys451Phe; replaces cysteine 451 with phenylalanine.
Molecular consequence: missense variant.
Genome position (GRCh38, 1-based): chr7:50,463,322, C>A on the plus strand (G>T on the coding strand, the complement: DDC is on the minus strand). VCF-style: chr7-50463322-C-A. GRCh37 (hg19) VCF-style: chr7-50531020-C-A.
Other names: c.1352G>T, p.Cys451Phe (NM_000790.4); c.1238G>T, p.Cys413Phe (NM_001242886.2); c.1208G>T, p.Cys403Phe (NM_001242887.2); c.1118G>T, p.Cys373Phe (NM_001242888.2); c.1073G>T, p.Cys358Phe (NM_001242889.2); short protein forms C451F, C373F, C413F, C403F, C358F.
Identifiers: ClinVar variation 488382 (VCV000488382.3), dbSNP rs1554411234, ClinGen allele CA367527699.